The following is an entry in ClinVar:

ClinVar aggregate classification (germline): Uncertain significance (1 of 4 stars; one submission).

Conditions:
SETD2-related disorder.

Allele frequency attached by ClinVar (database versions not stated): gnomAD exomes below 0.00001.
gnomAD v4.1: 2 of 1,614,150 alleles (0.00012%); highest among the groups gnomAD compares: East Asian, 0.0022%; no homozygotes.

Submission:

PreventionGenetics, part of Exact Sciences
Classification: Uncertain significance for SETD2-related condition. Last evaluated: 2022-09-30. Review status: criteria provided, single submitter. Criteria: ACMG Guidelines, 2015. Collection method: clinical testing. Allele origin: germline.
Comment: The SETD2 c.5792A>G variant is predicted to result in the amino acid substitution p.Gln1931Arg. To our knowledge, this variant has not been reported in the literature or in a large population database, indicating this variant is rare. At this time, the clinical significance of this variant is uncertain due to the absence of conclusive functional and genetic evidence.

NM_014159.7(SETD2):c.5792A>G (p.Gln1931Arg)

Gene: SETD2 (SET domain containing 2, histone lysine methyltransferase; minus strand). Cytogenetic location: 3p21.31.
Variant type: single nucleotide variant.
Coding change: c.5792A>G on transcript NM_014159.7 (MANE Select); coding-DNA position 5792, A replaced by G.
Protein change: p.Gln1931Arg; replaces glutamine 1931 with arginine.
Molecular consequence: missense variant. On other transcripts: non-coding transcript variant (1).
Genome position (GRCh38, 1-based): chr3:47,083,988, T>C on the plus strand (A>G on the coding strand, the complement: SETD2 is on the minus strand). VCF-style: chr3-47083988-T-C. GRCh37 (hg19) VCF-style: chr3-47125478-T-C.
Other names: c.5660A>G, p.Gln1887Arg (NM_001349370.3); short protein forms Q1887R, Q1931R.
Identifiers: ClinVar variation 2634397 (VCV002634397.1), dbSNP rs2545517516, ClinGen allele CA352533708.